The following is an entry in ClinVar:

ClinVar aggregate classification (germline): Likely pathogenic (1 of 4 stars; one submission).

Conditions:
Cardiovascular phenotype. Identifiers: MedGen CN230736.

Submissions (2):

Ambry Genetics
Classification: Likely pathogenic for Cardiovascular phenotype. Last evaluated: 2025-11-10. Review status: criteria provided, single submitter. Criteria: Ambry Variant Classification Scheme 2023. Collection method: clinical testing. Allele origin: germline.
Comment: The c.19110-1G>T intronic variant results from a G to T substitution one nucleotide before coding exon 76 of the TTN gene. This exon is located in the I-band region of the N2-B isoform of the titin protein and is constitutively expressed in TTN transcripts (percent spliced in or PSI 100%). This variant is considered to be rare based on population cohorts in the Genome Aggregation Database (gnomAD). This nucleotide position is highly conserved in available vertebrate species. In silico splice site analysis predicts that this alteration will weaken the native splice acceptor site and may result in the creation or strengthening of a novel splice acceptor site. This variant disrupts the canonical splice site and is expected to cause aberrant splicing, resulting in an abnormal protein or a transcript that is subject to nonsense-mediated mRNA decay. While loss of function variants in TTN are present in 1-3% of the general population, truncating variants (a category that includes canonical splice site variants) in the A-band are the most common cause of dilated cardiomyopathy (DCM) (Herman DS et al. N. Engl. J. Med., 2012 Feb;366:619-28; Roberts AM et al. Sci Transl Med, 2015 Jan;7:270ra6). TTN truncating variants encoded in constitutive exons (PSI >90%) have been found to be significantly associated with DCM regardless of their position in titin (Schafer S et al. Nat. Genet., 2017 01;49:46-53; Akhtar MM et al. Circ Heart Fail, 2020 Oct;13:e006832; Massier M et al. Clin Genet, 2025 Jan). Based on the majority of available evidence to date, this variant is likely to be pathogenic.

Dr. Peter K. Rogan Lab, Western University
No classification provided (evidence only). Condition: Uterine corpus endometrial carcinoma. Review status: no classification provided. Collection method: in vitro. Allele origin: not applicable. Functional consequence: retained intron. Not counted in ClinVar's aggregate classification.

NM_001267550.2(TTN):c.46305-1G>T

Genes: TTN (titin; minus strand), TTN-AS1 (TTN antisense RNA 1; plus strand). Cytogenetic location: 2q31.2.
Variant type: single nucleotide variant.
Coding change: c.46305-1G>T on transcript NM_001267550.2 (MANE Select); the canonical splice acceptor site of the intron before coding-DNA position 46305, G replaced by T.
Molecular consequence: splice acceptor variant. On other transcripts: non-coding transcript variant (1).
Genome position (GRCh38, 1-based): chr2:178,620,113, C>A on the plus strand (G>T on the coding strand, the complement: TTN is on the minus strand). VCF-style: chr2-178620113-C-A. GRCh37 (hg19) VCF-style: chr2-179484840-C-A.
Other names: NC_000002.11:g.179484840C>A; c.19110-1G>T (NM_003319.4); c.19686-1G>T (NM_133437.4); c.19485-1G>T (NM_133432.3); c.38601-1G>T (NM_133378.4); c.41382-1G>T (NM_001256850.1).
Identifiers: ClinVar variation 4506577 (VCV004506577.2).